The following is an entry in ClinVar:

NM_001375524.1(TRRAP):c.8826+9G>A

Gene: TRRAP (transformation/transcription domain associated protein; plus strand). Cytogenetic location: 7q22.1.
Variant type: single nucleotide variant.
Coding change: c.8826+9G>A on transcript NM_001375524.1 (MANE Select); 9 bases into the intron after coding-DNA position 8826, G replaced by A.
Molecular consequence: intron variant.
Genome position (GRCh38, 1-based): chr7:98,981,969, G>A. VCF-style: chr7-98981969-G-A. GRCh37 (hg19) VCF-style: chr7-98579592-G-A.
Other names: c.8751+9G>A (NM_003496.3, NM_003496.4); c.8805+9G>A (NM_001244580.2).
Identifiers: ClinVar variation 3712367 (VCV003712367.3).

ClinVar aggregate classification (germline): Likely benign. Review status: criteria provided, multiple submitters, no conflicts (2 of 4 stars). 2 submissions from 2 submitters: Likely benign (2). Last evaluated 2026-09-15.

Conditions:
TRRAP-related disorder. Also called: TRRAP-related condition.

gnomAD v4.1: 53 of 1,566,880 alleles (0.0034%); highest among the groups gnomAD compares: East Asian, 0.033%; no homozygotes.

Submissions (2):

PreventionGenetics, part of Exact Sciences
Classification: Likely benign for TRRAP-related condition. Last evaluated: 2026-09-15. Review status: criteria provided, single submitter. Criteria: ACMG Guidelines, 2015. Collection method: clinical testing. Allele origin: germline.
Comment: This variant is classified as likely benign based on ACMG/AMP sequence variant interpretation guidelines (Richards et al. 2015 PMID: 25741868, with internal and published modifications).

Labcorp Genetics (formerly Invitae), Labcorp
Classification: Likely benign. Last evaluated: 2025-01-14. Review status: criteria provided, single submitter. Criteria: Invitae Variant Classification Sherloc (09022015). Collection method: clinical testing. Allele origin: germline.